The following is an entry in ClinVar:

NM_004304.5(ALK):c.2935G>A (p.Val979Met)

Gene: ALK (ALK receptor tyrosine kinase; minus strand). Cytogenetic location: 2p23.2.
Variant type: single nucleotide variant.
Coding change: c.2935G>A on transcript NM_004304.5 (MANE Select); coding-DNA position 2935, G replaced by A.
Protein change: p.Val979Met; replaces valine 979 with methionine.
Molecular consequence: missense variant.
Genome position (GRCh38, 1-based): chr2:29,227,054, C>T on the plus strand (G>A on the coding strand, the complement: ALK is on the minus strand). VCF-style: chr2-29227054-C-T. GRCh37 (hg19) VCF-style: chr2-29449920-C-T.
Other names: short protein forms V979M.
Identifiers: ClinVar variation 3223851 (VCV003223851.1), dbSNP rs2148178685, ClinGen allele CA346468059.

ClinVar aggregate classification (germline): Uncertain significance (1 of 4 stars; one submission).

Conditions:
Hereditary cancer-predisposing syndrome. Also called: Tumor predisposition; Hereditary neoplastic syndrome; Hereditary Cancer Syndrome; Neoplastic Syndromes, Hereditary. Identifiers: Orphanet 140162, MedGen C0027672, MeSH D009386, MONDO:0015356.

Submission:

Ambry Genetics
Classification: Uncertain significance for Hereditary cancer-predisposing syndrome. Last evaluated: 2023-10-20. Review status: criteria provided, single submitter. Criteria: Ambry Variant Classification Scheme 2023. Collection method: clinical testing. Allele origin: germline.
Comment: The p.V979M variant (also known as c.2935G>A), located in coding exon 18 of the ALK gene, results from a G to A substitution at nucleotide position 2935. The valine at codon 979 is replaced by methionine, an amino acid with highly similar properties. This amino acid position is conserved. In addition, the in silico prediction for this alteration is inconclusive. Since supporting evidence is limited at this time, the clinical significance of this alteration remains unclear.